The following is an entry in ClinVar:

ClinVar aggregate classification (germline): Uncertain significance. Review status: criteria provided, multiple submitters, no conflicts (2 of 4 stars). 2 submissions from 2 submitters: Uncertain significance (2). Last evaluated 2026-03-11.

Conditions:
Inborn genetic diseases. Identifiers: MedGen C0950123, MeSH D030342.

gnomAD v4.1: 10 of 1,613,582 alleles (0.00062%); highest among the groups gnomAD compares: South Asian, 0.0011%; no homozygotes.

Submissions (2):

Ambry Genetics
Classification: Uncertain significance for Inborn genetic diseases. Last evaluated: 2026-03-11. Review status: criteria provided, single submitter. Criteria: Ambry Variant Classification Scheme 2023. Collection method: clinical testing. Allele origin: germline.
Comment: The c.7397A>G (p.Q2466R) alteration is located in exon 32 (coding exon 31) of the PLEC gene. This alteration results from a A to G substitution at nucleotide position 7397, causing the glutamine (Q) at amino acid position 2466 to be replaced by an arginine (R). Based on data from gnomAD, the G allele has an overall frequency of <0.001% (1/248446) total alleles studied. The highest observed frequency was 0.001% (1/112518) of European (non-Finnish) alleles. Based on insufficient or conflicting evidence, the clinical significance of this alteration remains unclear.

CeGaT Center for Human Genetics Tuebingen
Classification: Uncertain significance. Last evaluated: 2025-04-01. Review status: criteria provided, single submitter. Criteria: CeGaT Center For Human Genetics Tuebingen Variant Classification Criteria Version 2. Collection method: clinical testing. Allele origin: germline. Affected: yes. Observed: 1 variant allele.
Comment: PLEC: PM2

NM_201384.3(PLEC):c.7316A>G (p.Gln2439Arg)

Gene: PLEC (plectin; minus strand). Cytogenetic location: 8q24.3.
Variant type: single nucleotide variant.
Coding change: c.7316A>G on transcript NM_201384.3 (MANE Select); coding-DNA position 7316, A replaced by G.
Protein change: p.Gln2439Arg; replaces glutamine 2439 with arginine.
Molecular consequence: missense variant. On other transcripts: intron variant (1).
Genome position (GRCh38, 1-based): chr8:143,922,613, T>C on the plus strand (A>G on the coding strand, the complement: PLEC is on the minus strand). VCF-style: chr8-143922613-T-C. GRCh37 (hg19) VCF-style: chr8-144996781-T-C.
Other names: c.7397A>G (NM_000445.3); c.7397A>G, p.Gln2466Arg (NM_000445.5); c.7274A>G, p.Gln2425Arg (NM_201378.4); c.7250A>G, p.Gln2417Arg (NM_201379.3); c.7727A>G, p.Gln2576Arg (NM_201380.4); c.7220A>G, p.Gln2407Arg (NM_201381.3); c.7316A>G, p.Gln2439Arg (NM_201382.4); c.7328A>G, p.Gln2443Arg (NM_201383.3); and 1 more; short protein forms Q2407R, Q2417R, Q2425R, Q2439R, Q2443R, Q2466R, Q2576R.
Identifiers: ClinVar variation 3898426 (VCV003898426.7).